The following is an entry in ClinVar:

ClinVar aggregate classification (germline): Likely benign (1 of 4 stars; one submission).

gnomAD v4.1: 12,513 of 1,612,560 alleles (0.78%); highest among the groups gnomAD compares: Non-Finnish European, 0.95%; 56 homozygotes.

Submission:

CeGaT Center for Human Genetics Tuebingen
Classification: Likely benign. Last evaluated: 2025-03-01. Review status: criteria provided, single submitter. Criteria: CeGaT Center For Human Genetics Tuebingen Variant Classification Criteria Version 2. Collection method: clinical testing. Allele origin: germline. Affected: yes. Observed: 1 variant allele.
Comment: EPB41L4A: BP4, BS2

NM_022140.5(EPB41L4A):c.1577A>T (p.Asn526Ile)

Gene: EPB41L4A (erythrocyte membrane protein band 4.1 like 4A; minus strand). Cytogenetic location: 5q22.1.
Variant type: single nucleotide variant.
Coding change: c.1577A>T on transcript NM_022140.5 (MANE Select); coding-DNA position 1577, A replaced by T.
Protein change: p.Asn526Ile; replaces asparagine 526 with isoleucine.
Molecular consequence: missense variant. On other transcripts: non-coding transcript variant (1).
Genome position (GRCh38, 1-based): chr5:112,184,061, T>A on the plus strand (A>T on the coding strand, the complement: EPB41L4A is on the minus strand). VCF-style: chr5-112184061-T-A. GRCh37 (hg19) VCF-style: chr5-111519758-T-A.
Other names: c.1577A>T, p.Asn526Ile (NM_001347887.2); short protein forms N526I.
Identifiers: ClinVar variation 3777792 (VCV003777792.7).